The following is an entry in ClinVar:

NM_001277115.2(DNAH11):c.6998G>T (p.Trp2333Leu)

Gene: DNAH11 (dynein axonemal heavy chain 11; plus strand). Cytogenetic location: 7p15.3.
Variant type: single nucleotide variant.
Coding change: c.6998G>T on transcript NM_001277115.2 (MANE Select); coding-DNA position 6998, G replaced by T.
Protein change: p.Trp2333Leu; replaces tryptophan 2333 with leucine.
Molecular consequence: missense variant.
Genome position (GRCh38, 1-based): chr7:21,717,789, G>T. VCF-style: chr7-21717789-G-T. GRCh37 (hg19) VCF-style: chr7-21757407-G-T.
Other names: c.7019G>T, p.Trp2340Leu (NM_003777.3); short protein forms W2333L, W2340L.
Identifiers: ClinVar variation 2198621 (VCV002198621.1), dbSNP rs1440638496, ClinGen allele CA366943241.

ClinVar aggregate classification (germline): Uncertain significance (1 of 4 stars; one submission).

Conditions:
Primary ciliary dyskinesia. Also called: Ciliary dyskinesia. Identifiers: Orphanet 244, MedGen C0008780, MONDO:0016575, HP:0012265.

Allele frequency attached by ClinVar (database versions not stated): gnomAD exomes 0.00003; gnomAD 0.00001; TOPMed 0.00001.
gnomAD v4.1: 41 of 1,613,652 alleles (0.0025%); highest among the groups gnomAD compares: Non-Finnish European, 0.0034%; no homozygotes.

Submission:

Labcorp Genetics (formerly Invitae), Labcorp
Classification: Uncertain significance for Primary ciliary dyskinesia. Last evaluated: 2022-07-11. Review status: criteria provided, single submitter. Criteria: Invitae Variant Classification Sherloc (09022015). Collection method: clinical testing. Allele origin: germline.
Comment: This sequence change replaces tryptophan, which is neutral and slightly polar, with leucine, which is neutral and non-polar, at codon 2333 of the DNAH11 protein (p.Trp2333Leu). This variant is present in population databases (no rsID available, gnomAD 0.003%). This variant has not been reported in the literature in individuals affected with DNAH11-related conditions. Advanced modeling of protein sequence and biophysical properties (such as structural, functional, and spatial information, amino acid conservation, physicochemical variation, residue mobility, and thermodynamic stability) performed at Invitae indicates that this missense variant is expected to disrupt DNAH11 protein function. In summary, the available evidence is currently insufficient to determine the role of this variant in disease. Therefore, it has been classified as a Variant of Uncertain Significance.